The following is an entry in ClinVar:

NM_000426.4(LAMA2):c.5953_5954delinsA (p.Ala1985fs)

Gene: LAMA2 (laminin subunit alpha 2; plus strand). Cytogenetic location: 6q22.33.
Variant type: Indel.
Coding change: c.5953_5954delinsA on transcript NM_000426.4 (MANE Select); coding-DNA positions 5953 to 5954, GC replaced by A.
Protein change: p.Ala1985fs; shifts the reading frame from alanine 1985.
Molecular consequence: frameshift variant.
Genome position (GRCh38, 1-based): chr6:129,427,839-129,427,840, GC replaced by A. VCF-style: chr6-129427839-GC-A. GRCh37 (hg19) VCF-style: chr6-129748984-GC-A.
Other names: c.5953_5954delinsA, p.Ala1985fs (NM_001079823.2); short protein forms A1985fs.
Identifiers: ClinVar variation 5015062 (VCV005015062.1).

ClinVar aggregate classification (germline): Pathogenic (1 of 4 stars; one submission).

Conditions:
LAMA2-related muscular dystrophy (LAMA2-RD). Also called: Laminin alpha 2-related dystrophy. Identifiers: MedGen C5679788, MONDO:0100228.

Submission:

Myriad Genetics, Inc.
Classification: Pathogenic for LAMA2-related muscular dystrophy. Last evaluated: 2025-10-08. Review status: criteria provided, single submitter. Criteria: Myriad Autosomal Dominant, Autosomal Recessive and X-Linked Classification Criteria (2023). Collection method: clinical testing. Allele origin: unknown.
Comment: NM_000426.3(LAMA2):c.5953_5954delGCinsA(A1985Kfs*4) is expected to be pathogenic in the context of muscular dystrophy, LAMA2-related. This variant is predicted to lead to an abnormal or absent protein product due to the creation of a premature termination codon in LAMA2, a gene where loss-of-function variants are known to be pathogenic. Please note: this variant was assessed in the context of healthy population screening.